The following is an entry in ClinVar:

ClinVar aggregate classification (germline): Conflicting classifications of pathogenicity. Review status: criteria provided, conflicting classifications (1 of 4 stars). 14 submissions from 11 submitters: Uncertain significance (2); Benign (10); Likely benign (1). 1 of the submissions does not count toward it. Last evaluated 2026-02-04.

Conditions:
Hereditary hyperinsulinism.
Transitory neonatal diabetes mellitus. Also called: Transient neonatal diabetes mellitus. Identifiers: MedGen C0342273, MONDO:0020525, HP:0008255.
Inborn genetic diseases. Identifiers: MedGen C0950123, MeSH D030342.
Maturity-onset diabetes of the young (MODY). Also called: Maturity onset diabetes mellitus in young. Identifiers: Orphanet 552, MedGen C0342276, MONDO:0018911, HP:0004904.
Diabetes mellitus, transient neonatal, 2 (TNDM2). Identifiers: Orphanet 99886, MedGen C1835887, MONDO:0012480, OMIM 610374. Disease mechanism: loss of function.
Permanent neonatal diabetes mellitus (PNDM). Identifiers: Orphanet 99885, MedGen C1833104, MONDO:0100164, MONDO:0011643. Disease mechanism: gain of function.
Hyperinsulinemic hypoglycemia, familial, 1 (HHF1). Also called: Persistent hyperinsulinemic hypoglycemia of infancy; NESIDIOBLASTOSIS OF PANCREAS; Persistent Hyperinsulinemia Hypoglycemia of Infancy; HYPERINSULINISM, FAMILIAL, WITH PANCREATIC NESIDIOBLASTOSIS; HYPOGLYCEMIA, HYPERINSULINEMIC, OF INFANCY. Identifiers: Orphanet 276575, Orphanet 276598, MedGen C2931832, MONDO:0009734, OMIM 256450.

Allele frequency attached by ClinVar (database versions not stated): 1000 Genomes Project 30x 0.01811; TOPMed 0.01855; ESP Exome Variant Server 0.00300; gnomAD 0.01269 and 0.01285; ExAC 0.01373; 1000 Genomes Project 0.01617.
gnomAD v4.1: 11,881 of 1,614,228 alleles (0.74%); highest among the groups gnomAD compares: Admixed American, 12%; 592 homozygotes.

Submissions (14):

Labcorp Genetics (formerly Invitae), Labcorp
Classification: Benign. Last evaluated: 2026-02-04. Review status: criteria provided, single submitter. Criteria: Invitae Variant Classification Sherloc (09022015). Collection method: clinical testing. Allele origin: germline.

Blueprint Genetics
Classification: Benign. Last evaluated: 2024-11-26. Review status: criteria provided, single submitter. Criteria: ACMG Guidelines, 2015. Collection method: clinical testing. Allele origin: germline.

Ambry Genetics
Classification: Likely benign for Inborn genetic diseases. Last evaluated: 2022-06-02. Review status: criteria provided, single submitter. Criteria: Ambry Variant Classification Scheme 2023. Collection method: clinical testing. Allele origin: germline.

GeneDx
Classification: Benign. Last evaluated: 2018-09-04. Review status: criteria provided, single submitter. Criteria: GeneDx Variant Classification Process June 2021. Collection method: clinical testing. Allele origin: germline. Affected: yes.

Illumina Laboratory Services, Illumina
Classification: Benign for Diabetes mellitus, transient neonatal, 2. Last evaluated: 2018-01-13. Review status: criteria provided, single submitter. Criteria: ICSL Variant Classification Criteria 13 December 2019. Collection method: clinical testing. Allele origin: germline.
Comment: This variant was observed in the ICSL laboratory as part of a predisposition screen in an ostensibly healthy population. It had not been previously curated by ICSL or reported in the Human Gene Mutation Database (HGMD: prior to June 1st, 2018), and was therefore a candidate for classification through an automated scoring system. Utilizing variant allele frequency, disease prevalence and penetrance estimates, and inheritance mode, an automated score was calculated to assess if this variant is too frequent to cause the disease. Based on the score and internal cut-off values, a variant classified as benign is not then subjected to further curation. The score for this variant resulted in a classification of benign for this disease.

Illumina Laboratory Services, Illumina
Classification: Benign for Hyperinsulinemic hypoglycemia, familial, 1. Last evaluated: 2018-01-13. Review status: criteria provided, single submitter. Criteria: ICSL Variant Classification Criteria 13 December 2019. Collection method: clinical testing. Allele origin: germline.
Comment: the same text as in the submission from Illumina Laboratory Services, Illumina above.

Illumina Laboratory Services, Illumina
Classification: Benign for Permanent neonatal diabetes mellitus 1. Last evaluated: 2018-01-13. Review status: criteria provided, single submitter. Criteria: ICSL Variant Classification Criteria 13 December 2019. Collection method: clinical testing. Allele origin: germline.
Comment: the same text as in the submission from Illumina Laboratory Services, Illumina above.

Athena Diagnostics
Classification: Benign. Last evaluated: 2017-12-21. Review status: criteria provided, single submitter. Criteria: Athena Diagnostics Criteria. Collection method: clinical testing. Allele origin: germline.

Eurofins Ntd Llc (ga)
Classification: Benign. Last evaluated: 2016-01-12. Review status: criteria provided, single submitter. Criteria: EGL Classification Definitions 2015. Collection method: clinical testing. Allele origin: germline. Observed: 1 variant allele, 1 heterozygote.

Genetic Services Laboratory, University of Chicago
Classification: Benign. Last evaluated: 2013-06-27. Review status: criteria provided, single submitter. Criteria: ACMG Guidelines, 2007. Collection method: clinical testing. Allele origin: germline. Inheritance: Autosomal unknown.

Clinical Genomics, Uppaluri K&H Personalized Medicine Clinic
Classification: Uncertain significance for Maturity-onset diabetes of the young. Review status: criteria provided, single submitter. Criteria: K & H Uppaluri Personalized Medicine Clinic Variant Classification & Assertion Criteria_Updated V.1. Collection method: research. Allele origin: somatic. Inheritance: Somatic mutation.
Comment: Mutations in ABCC8 gene are associated with both neonatal diabetes mellitus as well as MODY. Patients with this mutation may have a better response to sulfonylureas. However, no sufficient evidence is found to ascertain the role of this particular variant (rs149861153) in MODY yet.

Clinical Genomics, Uppaluri K&H Personalized Medicine Clinic
Classification: Uncertain significance for Transitory neonatal diabetes mellitus. Review status: criteria provided, single submitter. Criteria: K & H Uppaluri Personalized Medicine Clinic Variant Classification & Assertion Criteria_Updated V.1. Collection method: research. Allele origin: somatic. Inheritance: Somatic mutation.
Comment: Mutations in ABCC8 gene are associated with both neonatal diabetes mellitus as well as MODY. Patients with this mutation may have a better response to sulfonylureas. However, no sufficient evidence is found to ascertain the role of this particular variant (rs149861153) in neonatal diabetes yet.

PreventionGenetics, part of Exact Sciences
Classification: Benign. Review status: criteria provided, single submitter. Criteria: ACMG Guidelines, 2015. Collection method: clinical testing. Allele origin: germline.

Natera, Inc.
Classification: Benign for Hereditary hyperinsulinism. Last evaluated: 2020-09-16. Review status: no assertion criteria provided. Collection method: clinical testing. Allele origin: germline. Not counted in ClinVar's aggregate classification.

Literature cited by the submitters: PubMed 16885549 (cited by Clinical Genomics, Uppaluri K&H Personalized Medicine Clinic); PubMed 21989597 (cited by Clinical Genomics, Uppaluri K&H Personalized Medicine Clinic); PubMed 27538677 (cited by Clinical Genomics, Uppaluri K&H Personalized Medicine Clinic); PubMed 18981553 (cited by Clinical Genomics, Uppaluri K&H Personalized Medicine Clinic); PubMed 32027066 (cited by Clinical Genomics, Uppaluri K&H Personalized Medicine Clinic); PubMed 16613899 (cited by Clinical Genomics, Uppaluri K&H Personalized Medicine Clinic); PubMed 18025408 (cited by Clinical Genomics, Uppaluri K&H Personalized Medicine Clinic); PubMed 32792356 (cited by Clinical Genomics, Uppaluri K&H Personalized Medicine Clinic).

NM_000352.6(ABCC8):c.3612C>T (p.Ala1204=)

Gene: ABCC8 (ATP binding cassette subfamily C member 8; minus strand). Cytogenetic location: 11p15.1.
Variant type: single nucleotide variant.
Coding change: c.3612C>T on transcript NM_000352.6 (MANE Select); coding-DNA position 3612, C replaced by T.
Protein change: p.Ala1204=; no amino-acid change (alanine 1204 retained).
Molecular consequence: synonymous variant. On other transcripts: non-coding transcript variant (1).
Genome position (GRCh38, 1-based): chr11:17,402,699, G>A on the plus strand (C>T on the coding strand, the complement: ABCC8 is on the minus strand). VCF-style: chr11-17402699-G-A. GRCh37 (hg19) VCF-style: chr11-17424246-G-A.
Other names: c.3615C>T, p.Ala1205= (NM_001287174.3); c.3678C>T, p.Ala1226= (NM_001351295.2); c.3612C>T, p.Ala1204= (NM_001351296.2); c.3609C>T, p.Ala1203= (NM_001351297.2).
Identifiers: ClinVar variation 157697 (VCV000157697.28), dbSNP rs149861153, ClinGen allele CA171071.